The following is an entry in ClinVar:

ClinVar aggregate classification (germline): Uncertain significance. Review status: criteria provided, single submitter (1 of 4 stars). 2 submissions from 2 submitters: Uncertain significance (1). 1 of the submissions does not count toward it. Last evaluated 2021-09-01.

Conditions:
Cystic fibrosis (CF). Also called: MUCOVISCIDOSIS. Identifiers: Orphanet 586, MedGen C0010674, MONDO:0009061, OMIM 219700. Disease mechanism: loss of function.
CFTR-related disorder (CFTR-RD). Also called: CFTR-related disorders; CFTR-related condition. Identifiers: MedGen C5924204, MONDO:7770004.

Submissions (2):

Labcorp Genetics (formerly Invitae), Labcorp
Classification: Uncertain significance for Cystic fibrosis. Last evaluated: 2021-09-01. Review status: criteria provided, single submitter. Criteria: Invitae Variant Classification Sherloc (09022015). Collection method: clinical testing. Allele origin: germline.
Comment: This sequence change replaces glycine with arginine at codon 473 of the CFTR protein (p.Gly473Arg). The glycine residue is highly conserved and there is a moderate physicochemical difference between glycine and arginine. This variant is not present in population databases (ExAC no frequency). This variant has not been reported in the literature in individuals affected with CFTR-related conditions. Algorithms developed to predict the effect of missense changes on protein structure and function are either unavailable or do not agree on the potential impact of this missense change (SIFT: "Deleterious"; PolyPhen-2: "Benign"; Align-GVGD: "Class C25"). In summary, the available evidence is currently insufficient to determine the role of this variant in disease. Therefore, it has been classified as a Variant of Uncertain Significance.

Natera, Inc.
Classification: Uncertain significance for CFTR-related disorders. Last evaluated: 2020-10-14. Review status: no assertion criteria provided. Collection method: clinical testing. Allele origin: germline. Not counted in ClinVar's aggregate classification.

NM_000492.4(CFTR):c.1417G>A (p.Gly473Arg)

Genes: CFTR-AS1 (CFTR antisense RNA 1; minus strand), CFTR (CF transmembrane conductance regulator; plus strand). Cytogenetic location: 7q31.2.
Variant type: single nucleotide variant.
Coding change: c.1417G>A on transcript NM_000492.4 (MANE Select); coding-DNA position 1417, G replaced by A.
Protein change: p.Gly473Arg; replaces glycine 473 with arginine.
Molecular consequence: missense variant.
Genome position (GRCh38, 1-based): chr7:117,559,488, G>A. VCF-style: chr7-117559488-G-A. GRCh37 (hg19) VCF-style: chr7-117199542-G-A.
Other names: short protein forms G473R.
Identifiers: ClinVar variation 952676 (VCV000952676.8), dbSNP rs1799417518, ClinGen allele CA368984340.